The following is an entry in ClinVar:

NM_005751.5(AKAP9):c.1081G>T (p.Glu361Ter)

Gene: AKAP9 (A-kinase anchoring protein 9; plus strand). Cytogenetic location: 7q21.2.
Variant type: single nucleotide variant.
Coding change: c.1081G>T on transcript NM_005751.5 (MANE Select); coding-DNA position 1081, G replaced by T.
Protein change: p.Glu361Ter; replaces glutamic acid 361 with a stop codon.
Molecular consequence: nonsense.
Genome position (GRCh38, 1-based): chr7:92,000,998, G>T. VCF-style: chr7-92000998-G-T. GRCh37 (hg19) VCF-style: chr7-91630312-G-T.
Other names: c.1081G>T, p.Glu361Ter (NM_147185.3); short protein forms E361*.
Identifiers: ClinVar variation 1786630 (VCV001786630.2), dbSNP rs2484688878, ClinGen allele CA368120961.
Genomic context (GRCh38, chr7:92,000,998, plus strand): 5'-GAAGAAAAGAAAACTCTTGAGCTAAAGGATAAATTAACAACTGCTGATAAATTACTAGGA[G>T]AATTACAAGAACAGATTGTGCAAAAGAACCAAGAAATAAAAAACATGAAATTAGAGCTGA-3'

ClinVar aggregate classification (germline): Uncertain significance (1 of 4 stars; one submission).

Conditions:
Cardiovascular phenotype. Identifiers: MedGen CN230736.

Submission:

Ambry Genetics
Classification: Uncertain significance for Cardiovascular phenotype. Last evaluated: 2022-02-14. Review status: criteria provided, single submitter. Criteria: Ambry Variant Classification Scheme 2023. Collection method: clinical testing. Allele origin: germline.
Comment: The p.E361* variant (also known as c.1081G>T), located in coding exon 8 of the AKAP9 gene, results from a G to T substitution at nucleotide position 1081. This changes the amino acid from a glutamic acid to a stop codon within coding exon 8. This alteration is expected to result in premature protein truncation or nonsense-mediated mRNA decay. However, loss of function of AKAP9 has not been clearly established as a mechanism of disease. The evidence for this gene-disease relationship is limited; therefore, the clinical significance of this alteration is unclear.